The following is an entry in ClinVar:

ClinVar aggregate classification (germline): Uncertain significance (1 of 4 stars; one submission).

Allele frequency attached by ClinVar (database versions not stated): gnomAD exomes below 0.00001 and 0.00001; TOPMed below 0.00001.
gnomAD v4.1: 1 of 1,208,214 alleles (0.000083%); highest among the groups gnomAD compares: Admixed American, 0.0022%; no homozygotes.

Submission:

GeneDx
Classification: Uncertain significance. Last evaluated: 2019-11-14. Review status: criteria provided, single submitter. Criteria: GeneDx Variant Classification Process June 2021. Collection method: clinical testing. Allele origin: germline. Affected: yes.
Comment: In silico analysis, which includes protein predictors and evolutionary conservation, supports that this variant does not alter protein structure/function; Has not been previously published as pathogenic or benign to our knowledge

NM_001039591.3(USP9X):c.3706A>G (p.Ile1236Val)

Gene: USP9X (ubiquitin specific peptidase 9 X-linked; plus strand). Cytogenetic location: Xp11.4.
Variant type: single nucleotide variant.
Coding change: c.3706A>G on transcript NM_001039591.3 (MANE Select); coding-DNA position 3706, A replaced by G.
Protein change: p.Ile1236Val; replaces isoleucine 1236 with valine.
Molecular consequence: missense variant.
Genome position (GRCh38, 1-based): chrX:41,188,013, A>G. VCF-style: chrX-41188013-A-G. GRCh37 (hg19) VCF-style: chrX-41047266-A-G.
Other names: c.3706A>G, p.Ile1236Val (NM_001039590.3); short protein forms I1236V.
Identifiers: ClinVar variation 1310059 (VCV001310059.2), dbSNP rs1392385043, ClinGen allele CA412768523.